The following is an entry in ClinVar:

ClinVar aggregate classification (germline): Likely pathogenic (1 of 4 stars; one submission).

Conditions:
Hypothyroidism, congenital, nongoitrous, 2 (CHNG2). Also called: Hypothyroidism, congenital, due to thyroid dysgenesis or hypoplasia. Identifiers: Orphanet 95712, MedGen C1869118, MONDO:0024264, OMIM 218700.

Submission:

Illumina Laboratory Services, Illumina
Classification: Likely pathogenic for Hypothyroidism, congenital, nongoitrous, 2. Last evaluated: 2017-06-23. Review status: criteria provided, single submitter. Criteria: ICSLVariantClassificationCriteria RUGD 01 April 2020. Collection method: clinical testing. Allele origin: unknown.
Comment: The PAX8 c.205G>A p.(Gly69Ser) missense variant, has not, to our knowledge, been reported in the peer-reviewed literature. This variant is not observed in version 2.1.1 or version 4.0.0 of the Genome Aggregation Database. The variant is located in the paired domain of the PAX8 protein, with the Gly69 residue being highly conserved. This variant was identified in a de novo state. Based on the evidence the c.205G>A p.(Gly69Ser) variant is classified as likely pathogenic for congenital hypothyroidism.

NM_003466.4(PAX8):c.205G>A (p.Gly69Ser)

Genes: PAX8 (paired box 8; minus strand), PAX8-AS1 (PAX8 antisense RNA 1; plus strand). Cytogenetic location: 2q14.1.
Variant type: single nucleotide variant.
Coding change: c.205G>A on transcript NM_003466.4 (MANE Select); coding-DNA position 205, G replaced by A.
Protein change: p.Gly69Ser; replaces glycine 69 with serine.
Molecular consequence: missense variant.
Genome position (GRCh38, 1-based): chr2:113,244,611, C>T on the plus strand (G>A on the coding strand, the complement: PAX8 is on the minus strand). VCF-style: chr2-113244611-C-T. GRCh37 (hg19) VCF-style: chr2-114002188-C-T.
Other names: c.205G>A, p.Gly69Ser (NM_013952.4, NM_013953.4, NM_013992.4); short protein forms G69S.
Identifiers: ClinVar variation 3062111 (VCV003062111.1), dbSNP rs2466930096, ClinGen allele CA348302828.